The following is an entry in ClinVar:

NM_001039141.3(TRIOBP):c.6806A>G (p.Asn2269Ser)

Gene: TRIOBP (TRIO and F-actin binding protein; plus strand). Cytogenetic location: 22q13.1.
Variant type: single nucleotide variant.
Coding change: c.6806A>G on transcript NM_001039141.3 (MANE Select); coding-DNA position 6806, A replaced by G.
Protein change: p.Asn2269Ser; replaces asparagine 2269 with serine.
Molecular consequence: missense variant.
Genome position (GRCh38, 1-based): chr22:37,769,332, A>G. VCF-style: chr22-37769332-A-G. GRCh37 (hg19) VCF-style: chr22-38165339-A-G.
Other names: c.1667A>G, p.Asn556Ser (NM_007032.5); short protein forms N2269S, N556S.
Identifiers: ClinVar variation 227128 (VCV000227128.17), dbSNP rs61729060, ClinGen allele CA10225198.

ClinVar aggregate classification (germline): Benign/Likely benign. Review status: criteria provided, multiple submitters, no conflicts (2 of 4 stars). 5 submissions from 5 submitters: Benign (4); Likely benign (1). Last evaluated 2026-01-25.

Allele frequency attached by ClinVar (database versions not stated): gnomAD exomes 0.00057 and 0.00134; ExAC 0.00210; 1000 Genomes Project 30x 0.00453; 1000 Genomes Project 0.00499; ESP Exome Variant Server 0.00545; gnomAD 0.00583 and 0.00634; TOPMed 0.00639.
gnomAD v4.1: 1,764 of 1,611,514 alleles (0.11%); highest among the groups gnomAD compares: African/African-American, 1.9%; 15 homozygotes.

Submissions (5):

Labcorp Genetics (formerly Invitae), Labcorp
Classification: Benign. Last evaluated: 2026-01-25. Review status: criteria provided, single submitter. Criteria: Invitae Variant Classification Sherloc (09022015). Collection method: clinical testing. Allele origin: germline.

Blueprint Genetics
Classification: Likely benign. Last evaluated: 2024-10-18. Review status: criteria provided, single submitter. Criteria: ACMG Guidelines, 2015. Collection method: clinical testing. Allele origin: germline.

GeneDx
Classification: Benign. Last evaluated: 2019-02-26. Review status: criteria provided, single submitter. Criteria: GeneDx Variant Classification Process June 2021. Collection method: clinical testing. Allele origin: germline. Affected: yes.

Laboratory for Molecular Medicine, Mass General Brigham Personalized Medicine
Classification: Benign. Last evaluated: 2012-04-30. Review status: criteria provided, single submitter. Criteria: LMM Criteria. Collection method: clinical testing. Allele origin: germline. Observed: 5 variant alleles.
Comment: Asn2269Ser in Exon 21 of TRIOBP: This variant is not expected to have clinical s ignificance because it has been identified in 1.6% (54/3292) of African American chromosomes from a broad population by the NHLBI Exome Sequencing Project (dbSNP rs61729060).

PreventionGenetics, part of Exact Sciences
Classification: Benign. Review status: criteria provided, single submitter. Criteria: ACMG Guidelines, 2015. Collection method: clinical testing. Allele origin: germline.